The following is an entry in ClinVar:

NM_000094.4(COL7A1):c.5568+8C>T

Gene: COL7A1 (collagen type VII alpha 1 chain; minus strand). Cytogenetic location: 3p21.31.
Variant type: single nucleotide variant.
Coding change: c.5568+8C>T on transcript NM_000094.4 (MANE Select); 8 bases into the intron after coding-DNA position 5568, C replaced by T.
Molecular consequence: intron variant.
Genome position (GRCh38, 1-based): chr3:48,576,984, G>A on the plus strand (C>T on the coding strand, the complement: COL7A1 is on the minus strand). VCF-style: chr3-48576984-G-A. GRCh37 (hg19) VCF-style: chr3-48614417-G-A.
Other names: c.5568+8C>T (NM_000094.3).
Identifiers: ClinVar variation 1140359 (VCV001140359.8), dbSNP rs543567632, ClinGen allele CA73977338.

ClinVar aggregate classification (germline): Likely benign. Review status: criteria provided, multiple submitters, no conflicts (2 of 4 stars). 2 submissions from 2 submitters: Likely benign (2). Last evaluated 2026-08-12.

Conditions:
COL7A1-related disorder. Also called: COL7A1-related condition; COL7A1- related disorders.

Allele frequency attached by ClinVar (database versions not stated): gnomAD exomes below 0.00001; gnomAD 0.00001; 1000 Genomes Project 30x 0.00016; 1000 Genomes Project 0.00020.
gnomAD v4.1: 7 of 1,614,000 alleles (0.00043%); highest among the groups gnomAD compares: South Asian, 0.0011%; no homozygotes.

Submissions (2):

PreventionGenetics, part of Exact Sciences
Classification: Likely benign for COL7A1-related condition. Last evaluated: 2026-08-12. Review status: criteria provided, single submitter. Criteria: ACMG Guidelines, 2015. Collection method: clinical testing. Allele origin: germline.
Comment: This variant is classified as likely benign based on ACMG/AMP sequence variant interpretation guidelines (Richards et al. 2015 PMID: 25741868, with internal and published modifications).

Labcorp Genetics (formerly Invitae), Labcorp
Classification: Likely benign. Last evaluated: 2025-08-29. Review status: criteria provided, single submitter. Criteria: Invitae Variant Classification Sherloc (09022015). Collection method: clinical testing. Allele origin: germline.